The following is an entry in ClinVar:

ClinVar aggregate classification (germline): Uncertain significance. Review status: criteria provided, multiple submitters, no conflicts (2 of 4 stars). 3 submissions from 3 submitters: Uncertain significance (3). Last evaluated 2024-01-16.

Conditions:
Cardiovascular phenotype. Identifiers: MedGen CN230736.
Telangiectasia, hereditary hemorrhagic, type 2 (HHT2). Also called: ACVRL1-Related Hereditary Hemorrhagic Telangiectasia; Telangiectasia, hereditary hemorrhagic, type II. Identifiers: Orphanet 774, MedGen C1838163, MONDO:0010880, OMIM 600376. Disease mechanism: loss of function.

gnomAD v4.1: 1 of 1,610,478 alleles (0.000062%); highest among the groups gnomAD compares: Non-Finnish European, 0.000085%; no homozygotes.

Submissions (3):

Labcorp Genetics (formerly Invitae), Labcorp
Classification: Uncertain significance for Telangiectasia, hereditary hemorrhagic, type 2. Last evaluated: 2024-01-16. Review status: criteria provided, single submitter. Criteria: Invitae Variant Classification Sherloc (09022015). Collection method: clinical testing. Allele origin: germline.
Comment: This sequence change replaces histidine, which is basic and polar, with aspartic acid, which is acidic and polar, at codon 87 of the ACVRL1 protein (p.His87Asp). This variant is not present in population databases (gnomAD no frequency). This missense change has been observed in individual(s) with ACVRL1-related conditions (PMID: 19767588). It has also been observed to segregate with disease in related individuals. ClinVar contains an entry for this variant (Variation ID: 1303031). Advanced modeling of protein sequence and biophysical properties (such as structural, functional, and spatial information, amino acid conservation, physicochemical variation, residue mobility, and thermodynamic stability) has been performed at Invitae for this missense variant, however the output from this modeling did not meet the statistical confidence thresholds required to predict the impact of this variant on ACVRL1 protein function. In summary, the available evidence is currently insufficient to determine the role of this variant in disease. Therefore, it has been classified as a Variant of Uncertain Significance.

GeneDx
Classification: Uncertain significance. Last evaluated: 2019-07-30. Review status: criteria provided, single submitter. Criteria: GeneDx Variant Classification Process June 2021. Collection method: clinical testing. Allele origin: germline. Affected: yes.
Comment: Not observed in large population cohorts (Lek et al., 2016); In silico analysis, which includes protein predictors and evolutionary conservation, supports a deleterious effect; This variant is associated with the following publications: (PMID: 22028876, 21158752)

Ambry Genetics
Classification: Uncertain significance for Cardiovascular phenotype. Last evaluated: 2015-12-29. Review status: criteria provided, single submitter. Criteria: Ambry Variant Classification Scheme 2023. Collection method: clinical testing. Allele origin: germline.
Comment: The p.H87D variant (also known as c.259C>G) is located in coding exon 2 of the ACVRL1 gene. This alteration results from a C to G substitution at nucleotide position 259. The histidine at codon 87 is replaced by aspartic acid, an amino acid with dissimilar properties. The proband also carried the ENG p.R571H alteration, which has been reported in one case of early onset juvenile polyposis syndrome by Sweet et al, 2005. In addition, the ACVRL1 p.H87D variant was observed in the proband's reportedly affected paternal grandmother, and the ENG p.R571H was observed in the unaffected paternal grandfather. Thus, the segregation of ACVRL1 p.H87D with HHT is suggestive but not entirely conclusive in this family (McDonald J et al. J Mol Diagn. 2009;11(6):569-575). This variant was not reported in population-based cohorts in the following databases: Database of Single Nucleotide Polymorphisms (dbSNP), NHLBI Exome Sequencing Project (ESP) and 1000 Genomes Project. Based on available vertebrate protein sequence alignment, this amino acid position is well conserved in mammals. In addition, the in silico prediction for this alteration is inconclusive. Based on available evidence to date, the clinical significance of this variant remains unclear.

Literature cited by the submitters: PubMed 19767588 (cited by Labcorp Genetics (formerly Invitae), Labcorp and Ambry Genetics); PubMed 22028876 (cited by Ambry Genetics); PubMed 22718755 (cited by Ambry Genetics).

NM_000020.3(ACVRL1):c.259C>G (p.His87Asp)

Gene: ACVRL1 (activin A receptor like type 1; plus strand). Cytogenetic location: 12q13.13.
Variant type: single nucleotide variant.
Coding change: c.259C>G on transcript NM_000020.3 (MANE Select); coding-DNA position 259, C replaced by G.
Protein change: p.His87Asp; replaces histidine 87 with aspartic acid.
Molecular consequence: missense variant.
Genome position (GRCh38, 1-based): chr12:51,913,296, C>G. VCF-style: chr12-51913296-C-G. GRCh37 (hg19) VCF-style: chr12-52307080-C-G.
Other names: c.259C>G, p.His87Asp (NM_001077401.2); short protein forms H87D.
Identifiers: ClinVar variation 1303031 (VCV001303031.7), dbSNP rs1430932447, ClinGen allele CA384898016.